The following is an entry in ClinVar:

NM_020928.2(ZSWIM6):c.130C>G (p.Pro44Ala)

Gene: ZSWIM6 (zinc finger SWIM-type containing 6; plus strand). Cytogenetic location: 5q12.1.
Variant type: single nucleotide variant.
Coding change: c.130C>G on transcript NM_020928.2 (MANE Select); coding-DNA position 130, C replaced by G.
Protein change: p.Pro44Ala; replaces proline 44 with alanine.
Molecular consequence: missense variant.
Genome position (GRCh38, 1-based): chr5:61,332,402, C>G. VCF-style: chr5-61332402-C-G. GRCh37 (hg19) VCF-style: chr5-60628229-C-G.
Other names: short protein forms P44A.
Identifiers: ClinVar variation 1396979 (VCV001396979.8), dbSNP rs1253791362, ClinGen allele CA359940047.

ClinVar aggregate classification (germline): Uncertain significance (1 of 4 stars; one submission).

Allele frequency attached by ClinVar (database versions not stated): TOPMed below 0.00001; gnomAD 0.00001 and 0.00002; gnomAD exomes 0.00001.
gnomAD v4.1: 7 of 991,796 alleles (0.00071%); highest among the groups gnomAD compares: Non-Finnish European, 0.00084%; no homozygotes.

Submission:

Labcorp Genetics (formerly Invitae), Labcorp
Classification: Uncertain significance. Last evaluated: 2025-02-10. Review status: criteria provided, single submitter. Criteria: Invitae Variant Classification Sherloc (09022015). Collection method: clinical testing. Allele origin: germline.
Comment: This sequence change replaces proline, which is neutral and non-polar, with alanine, which is neutral and non-polar, at codon 44 of the ZSWIM6 protein (p.Pro44Ala). The frequency data for this variant in the population databases is considered unreliable, as metrics indicate insufficient coverage at this position in the gnomAD database. This variant has not been reported in the literature in individuals affected with ZSWIM6-related conditions. ClinVar contains an entry for this variant (Variation ID: 1396979). Experimental studies and prediction algorithms are not available or were not evaluated, and the functional significance of this variant is currently unknown. In summary, the available evidence is currently insufficient to determine the role of this variant in disease. Therefore, it has been classified as a Variant of Uncertain Significance.